The following is an entry in ClinVar:

NM_006231.4(POLE):c.6648G>A (p.Leu2216=)

Gene: POLE (DNA polymerase epsilon, catalytic subunit; minus strand). Cytogenetic location: 12q24.33.
Variant type: single nucleotide variant.
Coding change: c.6648G>A on transcript NM_006231.4 (MANE Select); coding-DNA position 6648, G replaced by A.
Protein change: p.Leu2216=; no amino-acid change (leucine 2216 retained).
Molecular consequence: synonymous variant.
Genome position (GRCh38, 1-based): chr12:132,625,654, C>T on the plus strand (G>A on the coding strand, the complement: POLE is on the minus strand). VCF-style: chr12-132625654-C-T. GRCh37 (hg19) VCF-style: chr12-133202240-C-T.
Other names: c.6648G>A (NM_006231.3).
Identifiers: ClinVar variation 484572 (VCV000484572.15), dbSNP rs1555301052, ClinGen allele CA482725101.

ClinVar aggregate classification (germline): Likely benign. Review status: criteria provided, multiple submitters, no conflicts (2 of 4 stars). 3 submissions from 3 submitters: Likely benign (3). Last evaluated 2025-03-23.

Conditions:
POLE-related disorder. Also called: POLE-related condition; POLE-related disorders.
Hereditary cancer-predisposing syndrome. Also called: Neoplastic Syndromes, Hereditary; Hereditary Cancer Syndrome; Tumor predisposition; Hereditary neoplastic syndrome. Identifiers: Orphanet 140162, MedGen C0027672, MeSH D009386, MONDO:0015356.

Allele frequency attached by ClinVar (database versions not stated): TOPMed 0.00001.
gnomAD v4.1: 1 of 1,613,586 alleles (0.000062%); no homozygotes.

Submissions (3):

Labcorp Genetics (formerly Invitae), Labcorp
Classification: Likely benign. Last evaluated: 2025-03-23. Review status: criteria provided, single submitter. Criteria: Invitae Variant Classification Sherloc (09022015). Collection method: clinical testing. Allele origin: germline.

PreventionGenetics, part of Exact Sciences
Classification: Likely benign for POLE-related condition. Last evaluated: 2025-03-19. Review status: criteria provided, single submitter. Criteria: ACMG Guidelines, 2015. Collection method: clinical testing. Allele origin: germline.
Comment: This variant is classified as likely benign based on ACMG/AMP sequence variant interpretation guidelines (Richards et al. 2015 PMID: 25741868, with internal and published modifications).

Ambry Genetics
Classification: Likely benign for Hereditary cancer-predisposing syndrome. Last evaluated: 2017-02-15. Review status: criteria provided, single submitter. Criteria: Ambry Variant Classification Scheme 2023. Collection method: clinical testing. Allele origin: germline.